The following is an entry in ClinVar:

ClinVar aggregate classification (germline): Uncertain significance (1 of 4 stars; one submission).

Conditions:
Thrombomodulin-related bleeding disorder (THPH12). Also called: Thrombophilia due to thrombomodulin defect. Identifiers: Orphanet 436169, MedGen C3280976, MONDO:0013775, OMIM 614486.

Submission:

Genomenon, Inc
Classification: Uncertain significance for Thrombomodulin-related bleeding disorder. Last evaluated: 2025-09-22. Review status: criteria provided, single submitter. Criteria: Genomenon Sequence Variant Interpretation Standards - Updated. Collection method: curation. Allele origin: germline. Affected: no.
Comment: THBD p.Cys310Trp (c.930C>G) is a missense variant that changes the amino acid at residue 310 from Cysteine to Tryptophan. This variant has been reported in the published literature (PMID:39675565). It is absent or not present at a significant frequency in gnomAD. In silico models agree that this variant is possibly or probably damaging. In conclusion, we classify THBD p.Cys310Trp (c.930C>G) as a variant of unknown significance.

Literature cited by the submitters: PubMed 39675565.

NM_000361.3(THBD):c.930C>G (p.Cys310Trp)

Gene: THBD (thrombomodulin; minus strand). Cytogenetic location: 20p11.21.
Variant type: single nucleotide variant.
Coding change: c.930C>G on transcript NM_000361.3 (MANE Select); coding-DNA position 930, C replaced by G.
Protein change: p.Cys310Trp; replaces cysteine 310 with tryptophan.
Molecular consequence: missense variant.
Genome position (GRCh38, 1-based): chr20:23,048,575, G>C on the plus strand (C>G on the coding strand, the complement: THBD is on the minus strand). VCF-style: chr20-23048575-G-C. GRCh37 (hg19) VCF-style: chr20-23029212-G-C.
Other names: short protein forms C310W.
Identifiers: ClinVar variation 4280396 (VCV004280396.1).
Genomic context (GRCh38, chr20:23,048,575, plus strand): 5'-TATGCAGTCATCCACGTCCTCGCACCGGTGTTGGTCGGCCGCCAGCCGGTAGCCGGTCTC[G>C]CACATGCACGAGTAGGAGCCCGGCTGGTCGGGGTTGGGAACGCAGAAGTGCTCGCAGAGG-3'
Protein context (NP_000352.1, residues 300-320): PDQPGSYSCM[Cys310Trp]ETGYRLAADQ